The following is an entry in ClinVar:

NM_017617.5(NOTCH1):c.3171+153G>A

Gene: NOTCH1 (notch receptor 1; minus strand). Cytogenetic location: 9q34.3.
Variant type: single nucleotide variant.
Coding change: c.3171+153G>A on transcript NM_017617.5 (MANE Select); 153 bases into the intron after coding-DNA position 3171, G replaced by A.
Molecular consequence: intron variant.
Genome position (GRCh38, 1-based): chr9:136,508,717, C>T on the plus strand (G>A on the coding strand, the complement: NOTCH1 is on the minus strand). VCF-style: chr9-136508717-C-T. GRCh37 (hg19) VCF-style: chr9-139403169-C-T.
Identifiers: ClinVar variation 679818 (VCV000679818.1), dbSNP rs145340662, ClinGen allele CA201580919.

ClinVar aggregate classification (germline): Likely benign (1 of 4 stars; one submission).

Allele frequency attached by ClinVar (database versions not stated): gnomAD 0.00331 and 0.00396; TOPMed 0.00444; 1000 Genomes Project 0.00599; 1000 Genomes Project 30x 0.00656.
gnomAD v4.1: 600 of 152,350 alleles (0.39%); highest among the groups gnomAD compares: African/African-American, 1.3%; 1 homozygote.

Submission:

GeneDx
Classification: Likely benign. Last evaluated: 2018-06-14. Review status: criteria provided, single submitter. Criteria: GeneDx Variant Classification (06012015). Collection method: clinical testing. Allele origin: germline. Affected: yes.
Comment: This variant is considered likely benign or benign based on one or more of the following criteria: it is a conservative change, it occurs at a poorly conserved position in the protein, it is predicted to be benign by multiple in silico algorithms, and/or has population frequency not consistent with disease.